The following is an entry in ClinVar:

ClinVar aggregate classification (germline): Uncertain significance. Review status: criteria provided, multiple submitters, no conflicts (2 of 4 stars). 2 submissions from 2 submitters: Uncertain significance (2). Last evaluated 2023-04-16.

Conditions:
Hereditary cancer-predisposing syndrome. Also called: Neoplastic Syndromes, Hereditary; Tumor predisposition; Hereditary neoplastic syndrome; Hereditary Cancer Syndrome. Identifiers: Orphanet 140162, MedGen C0027672, MeSH D009386, MONDO:0015356.
Neuroblastoma, susceptibility to, 3. Also called: ALK-Related Neuroblastic Tumor Susceptibility. Identifiers: Orphanet 635, MedGen C2751681, MONDO:0013083, OMIM 613014.

Allele frequency attached by ClinVar (database versions not stated): gnomAD exomes below 0.00001.
gnomAD v4.1: 3 of 1,614,092 alleles (0.00019%); highest among the groups gnomAD compares: Non-Finnish European, 0.00025%; no homozygotes.

Submissions (2):

Ambry Genetics
Classification: Uncertain significance for Hereditary cancer-predisposing syndrome. Last evaluated: 2023-04-16. Review status: criteria provided, single submitter. Criteria: Ambry Variant Classification Scheme 2023. Collection method: clinical testing. Allele origin: germline.
Comment: The p.L771P variant (also known as c.2312T>C), located in coding exon 13 of the ALK gene, results from a T to C substitution at nucleotide position 2312. The leucine at codon 771 is replaced by proline, an amino acid with similar properties. This amino acid position is conserved. In addition, this alteration is predicted to be deleterious by in silico analysis. Since supporting evidence is limited at this time, the clinical significance of this alteration remains unclear.

Labcorp Genetics (formerly Invitae), Labcorp
Classification: Uncertain significance for Neuroblastoma, susceptibility to, 3. Last evaluated: 2023-02-25. Review status: criteria provided, single submitter. Criteria: Invitae Variant Classification Sherloc (09022015). Collection method: clinical testing. Allele origin: germline.
Comment: In summary, the available evidence is currently insufficient to determine the role of this variant in disease. Therefore, it has been classified as a Variant of Uncertain Significance. An algorithm developed to predict the effect of missense changes on protein structure and function (PolyPhen-2) suggests that this variant is likely to be disruptive. ClinVar contains an entry for this variant (Variation ID: 1921770). This variant has not been reported in the literature in individuals affected with ALK-related conditions. This variant is not present in population databases (gnomAD no frequency). This sequence change replaces leucine, which is neutral and non-polar, with proline, which is neutral and non-polar, at codon 771 of the ALK protein (p.Leu771Pro).

NM_004304.5(ALK):c.2312T>C (p.Leu771Pro)

Gene: ALK (ALK receptor tyrosine kinase; minus strand). Cytogenetic location: 2p23.2.
Variant type: single nucleotide variant.
Coding change: c.2312T>C on transcript NM_004304.5 (MANE Select); coding-DNA position 2312, T replaced by C.
Protein change: p.Leu771Pro; replaces leucine 771 with proline.
Molecular consequence: missense variant.
Genome position (GRCh38, 1-based): chr2:29,239,723, A>G on the plus strand (T>C on the coding strand, the complement: ALK is on the minus strand). VCF-style: chr2-29239723-A-G. GRCh37 (hg19) VCF-style: chr2-29462589-A-G.
Other names: c.2312T>C (NM_004304.4); short protein forms L771P.
Identifiers: ClinVar variation 1921770 (VCV001921770.7), dbSNP rs2465270026, ClinGen allele CA346474348.